The following is an entry in ClinVar:

NM_001040142.2(SCN2A):c.407T>A (p.Met136Lys)

Gene: SCN2A (sodium voltage-gated channel alpha subunit 2; plus strand). Cytogenetic location: 2q24.3.
Variant type: single nucleotide variant.
Coding change: c.407T>A on transcript NM_001040142.2 (MANE Select); coding-DNA position 407, T replaced by A.
Protein change: p.Met136Lys; replaces methionine 136 with lysine.
Molecular consequence: missense variant.
Genome position (GRCh38, 1-based): chr2:165,307,868, T>A. VCF-style: chr2-165307868-T-A. GRCh37 (hg19) VCF-style: chr2-166164378-T-A.
Other names: c.407T>A, p.Met136Lys (NM_001040143.2, NM_001371246.1, NM_001371247.1 and 1 more transcripts); short protein forms M136K.
Identifiers: ClinVar variation 3753649 (VCV003753649.2).

ClinVar aggregate classification (germline): Likely pathogenic (1 of 4 stars; one submission).

Conditions:
Developmental and epileptic encephalopathy, 11 (DEE11). Also called: Early infantile epileptic encephalopathy 11. Identifiers: Orphanet 1934, MedGen C3150987, MONDO:0013388, OMIM 613721.
Seizures, benign familial infantile, 3 (BFIS3). Also called: CONVULSIONS, BENIGN FAMILIAL INFANTILE, 3; Familial neonatal seizures. Identifiers: Orphanet 140927, Orphanet 306, MedGen C1843140, MONDO:0011904, OMIM 607745.

Submission:

Labcorp Genetics (formerly Invitae), Labcorp
Classification: Likely pathogenic for Seizures, benign familial infantile, 3; Developmental and epileptic encephalopathy, 11. Last evaluated: 2024-07-22. Review status: criteria provided, single submitter. Criteria: Invitae Variant Classification Sherloc (09022015). Collection method: clinical testing. Allele origin: germline.
Comment: This sequence change replaces methionine, which is neutral and non-polar, with lysine, which is basic and polar, at codon 136 of the SCN2A protein (p.Met136Lys). This variant is not present in population databases (gnomAD no frequency). This variant has not been reported in the literature in individuals affected with SCN2A-related conditions. Advanced modeling of protein sequence and biophysical properties (such as structural, functional, and spatial information, amino acid conservation, physicochemical variation, residue mobility, and thermodynamic stability) performed at Invitae indicates that this missense variant is expected to disrupt SCN2A protein function with a positive predictive value of 95%. This variant disrupts the p.Met136 amino acid residue in SCN2A. Other variant(s) that disrupt this residue have been determined to be pathogenic (PMID: 23708187, 26291284, 30415926, 32603808). This suggests that this residue is clinically significant, and that variants that disrupt this residue are likely to be disease-causing. In summary, the currently available evidence indicates that the variant is pathogenic, but additional data are needed to prove that conclusively. Therefore, this variant has been classified as Likely Pathogenic.

Literature cited by the submitters: PubMed 23708187; PubMed 26291284; PubMed 30415926; PubMed 32603808.